The following is an entry in ClinVar:

NM_002317.7(LOX):c.1080C>T (p.Asp360=)

Genes: LOX (lysyl oxidase; minus strand), SRFBP1 (serum response factor binding protein 1; plus strand). Cytogenetic location: 5q23.1.
Variant type: single nucleotide variant.
Coding change: c.1080C>T on transcript NM_002317.7 (MANE Select); coding-DNA position 1080, C replaced by T.
Protein change: p.Asp360=; no amino-acid change (aspartic acid 360 retained).
Molecular consequence: synonymous variant.
Genome position (GRCh38, 1-based): chr5:122,070,545, G>A on the plus strand (C>T on the coding strand, the complement: LOX is on the minus strand). VCF-style: chr5-122070545-G-A. GRCh37 (hg19) VCF-style: chr5-121406240-G-A.
Other names: c.390C>T, p.Asp130= (NM_001178102.2); c.189C>T, p.Asp63= (NM_001317073.1); c.1080C>T (NM_002317.6).
Identifiers: ClinVar variation 1594086 (VCV001594086.11), dbSNP rs377582702, ClinGen allele CA3383852.

ClinVar aggregate classification (germline): Likely benign. Review status: criteria provided, multiple submitters, no conflicts (2 of 4 stars). 3 submissions from 3 submitters: Likely benign (3). Last evaluated 2025-12-24.

Conditions:
LOX-related disorder. Also called: LOX-related disorders; LOX-related condition.
Cardiovascular phenotype. Identifiers: MedGen CN230736.

Allele frequency attached by ClinVar (database versions not stated): gnomAD exomes 0.00001 and 0.00003; ExAC 0.00004; ESP Exome Variant Server 0.00008; gnomAD 0.00009 and 0.00011; TOPMed 0.00014.
gnomAD v4.1: 32 of 1,609,244 alleles (0.002%); highest among the groups gnomAD compares: African/African-American, 0.036%; no homozygotes.

Submissions (3):

Labcorp Genetics (formerly Invitae), Labcorp
Classification: Likely benign. Last evaluated: 2025-12-24. Review status: criteria provided, single submitter. Criteria: Invitae Variant Classification Sherloc (09022015). Collection method: clinical testing. Allele origin: germline.

PreventionGenetics, part of Exact Sciences
Classification: Likely benign for LOX-related condition. Last evaluated: 2025-10-26. Review status: criteria provided, single submitter. Criteria: ACMG Guidelines, 2015. Collection method: clinical testing. Allele origin: germline.
Comment: This variant is classified as likely benign based on ACMG/AMP sequence variant interpretation guidelines (Richards et al. 2015 PMID: 25741868, with internal and published modifications).

Ambry Genetics
Classification: Likely benign for Cardiovascular phenotype. Last evaluated: 2022-05-24. Review status: criteria provided, single submitter. Criteria: Ambry Variant Classification Scheme 2023. Collection method: clinical testing. Allele origin: germline.